The following is an entry in ClinVar:

NM_007098.4(CLTCL1):c.3136C>T (p.Arg1046Cys)

Gene: CLTCL1 (clathrin heavy chain like 1; minus strand). Cytogenetic location: 22q11.21.
Variant type: single nucleotide variant.
Coding change: c.3136C>T on transcript NM_007098.4 (MANE Select); coding-DNA position 3136, C replaced by T.
Protein change: p.Arg1046Cys; replaces arginine 1046 with cysteine.
Molecular consequence: missense variant.
Genome position (GRCh38, 1-based): chr22:19,210,439, G>A on the plus strand (C>T on the coding strand, the complement: CLTCL1 is on the minus strand). VCF-style: chr22-19210439-G-A. GRCh37 (hg19) VCF-style: chr22-19197949-G-A.
Other names: p.Arg1046Cys; c.3136C>T, p.Arg1046Cys (NM_001835.4); short protein forms R1046C.
Identifiers: ClinVar variation 3060068 (VCV003060068.3), dbSNP rs712952, ClinGen allele CA10098182.

ClinVar aggregate classification (germline): Benign. Review status: criteria provided, single submitter (1 of 4 stars). 2 submissions from 2 submitters: Benign (1). 1 of the submissions does not count toward it. Last evaluated 2022-03-24.

Conditions:
CLTCL1-related disorder. Also called: CLTCL1-related condition.

Allele frequency attached by ClinVar (database versions not stated): 1000 Genomes Project 30x 0.05091; 1000 Genomes Project 0.05092; ESP Exome Variant Server 0.05608; TOPMed 0.06237; gnomAD 0.05896; ExAC 0.06464; gnomAD exomes 0.06631.
gnomAD v4.1: 105,649 of 1,613,798 alleles (6.5%); highest among the groups gnomAD compares: Middle Eastern, 11%; 3,696 homozygotes.

Submissions (2):

Mayo Clinic Laboratories, Mayo Clinic
Classification: Benign. Last evaluated: 2022-03-24. Review status: criteria provided, single submitter. Criteria: ACMG Guidelines, 2015. Collection method: clinical testing. Allele origin: germline. Observed: 110 variant alleles.

PreventionGenetics, part of Exact Sciences
Classification: Benign for CLTCL1-related condition. Last evaluated: 2019-03-27. Review status: no assertion criteria provided. Collection method: clinical testing. Allele origin: germline. Not counted in ClinVar's aggregate classification.
Comment: This variant is classified as benign based on ACMG/AMP sequence variant interpretation guidelines (Richards et al. 2015 PMID: 25741868, with internal and published modifications).